The following is an entry in ClinVar:

NM_002906.4(RDX):c.1344+4A>G

Gene: RDX (radixin; minus strand). Cytogenetic location: 11q22.3.
Variant type: single nucleotide variant.
Coding change: c.1344+4A>G on transcript NM_002906.4 (MANE Select); 4 bases into the intron after coding-DNA position 1344, A replaced by G.
Molecular consequence: intron variant.
Genome position (GRCh38, 1-based): chr11:110,236,095, T>C on the plus strand (A>G on the coding strand, the complement: RDX is on the minus strand). VCF-style: chr11-110236095-T-C. GRCh37 (hg19) VCF-style: chr11-110106820-T-C.
Other names: c.1344+4A>G (NM_001260493.2, NM_001260492.2); c.303+4A>G (NM_001260495.2); c.405-4091A>G (NM_001260496.2); c.936+4A>G (NM_001260494.2).
Identifiers: ClinVar variation 3360086 (VCV003360086.1).

ClinVar aggregate classification (germline): Uncertain significance (1 of 4 stars; one submission).

gnomAD v4.1: 15 of 1,597,684 alleles (0.00094%); highest among the groups gnomAD compares: Non-Finnish European, 0.0013%; no homozygotes.

Submission:

GeneDx
Classification: Uncertain significance. Last evaluated: 2023-06-23. Review status: criteria provided, single submitter. Criteria: GeneDx Variant Classification Process June 2021. Collection method: clinical testing. Allele origin: germline. Affected: yes.
Comment: Not observed at significant frequency in large population cohorts (gnomAD); Has not been previously published as pathogenic or benign to our knowledge; In silico analysis suggests this variant may impact gene splicing. In the absence of RNA/functional studies, the actual effect of this sequence change is unknown.